The following is an entry in ClinVar:

ClinVar aggregate classification (germline): Likely pathogenic. Review status: criteria provided, multiple submitters, no conflicts (2 of 4 stars). 2 submissions from 2 submitters: Likely pathogenic (2). Last evaluated 2025-11-21.

Submissions (2):

Dasa
Classification: Likely pathogenic. Last evaluated: 2025-11-21. Review status: criteria provided, single submitter. Criteria: DASA Assertion Criteria. Collection method: clinical testing. Allele origin: germline.
Comment: NM_001134665.3(TRMT10A):c.185+1_185+13del introduces a premature termination codon predicted to result in loss of normal protein function. Loss-of-function is an established mechanism of disease for this gene. The variant is present at low frequency in population datasets. Based on the available data, this variant is classified as likely pathogenic.

Labcorp Genetics (formerly Invitae), Labcorp
Classification: Likely pathogenic. Last evaluated: 2025-10-01. Review status: criteria provided, single submitter. Criteria: Invitae Variant Classification Sherloc (09022015). Collection method: clinical testing. Allele origin: germline.
Comment: This sequence change affects a splice site in intron 2 of the TRMT10A gene. It is expected to disrupt RNA splicing. Variants that disrupt the donor or acceptor splice site typically lead to a loss of protein function (PMID: 16199547), and loss-of-function variants in TRMT10A are known to be pathogenic (PMID: 24204302, 26535115). This variant is not present in population databases (gnomAD no frequency). This variant has not been reported in the literature in individuals affected with TRMT10A-related conditions. ClinVar contains an entry for this variant (Variation ID: 2063355). Algorithms developed to predict the effect of sequence changes on RNA splicing suggest that this variant may disrupt the consensus splice site. In summary, the currently available evidence indicates that the variant is pathogenic, but additional data are needed to prove that conclusively. Therefore, this variant has been classified as Likely Pathogenic.

Literature cited by the submitters: PubMed 16199547 (cited by Labcorp Genetics (formerly Invitae), Labcorp); PubMed 24204302 (cited by Labcorp Genetics (formerly Invitae), Labcorp); PubMed 26535115 (cited by Labcorp Genetics (formerly Invitae), Labcorp).

NM_001134665.3(TRMT10A):c.185+1_185+13del

Gene: TRMT10A (tRNA methyltransferase 10A; minus strand). Cytogenetic location: 4q23.
Variant type: Deletion.
Coding change: c.185+1_185+13del on transcript NM_001134665.3 (MANE Select); the canonical splice donor site of the intron after coding-DNA position 185 through 13 bases into the intron after coding-DNA position 185, 13 bases deleted (GTATGTGTTTCAA).
Molecular consequence: splice donor variant.
Genome position (GRCh38, 1-based): chr4:99,559,141-99,559,153, TTGAAACACATAC deleted on the plus strand (GTATGTGTTTCAA on the coding strand, the reverse complement: TRMT10A is on the minus strand); deleting any 13 consecutive bases within chr4:99,559,141-99,559,156 gives the same sequence; the c. name uses the placement nearest the transcript's 3' end. VCF-style (leftmost placement, unchanged base first): chr4-99559140-TTTGAAACACATAC-T. GRCh37 (hg19) VCF-style: chr4-100480297-TTTGAAACACATAC-T.
Other names: c.185+1_185+13del (NM_001134666.3, NM_001375882.1, NM_001375881.1 and 2 more transcripts).
Identifiers: ClinVar variation 2063355 (VCV002063355.5), dbSNP rs1418957582, ClinGen allele CA800730926.